The following is an entry in ClinVar:

NM_001377540.1(SLMAP):c.1988A>T (p.Asp663Val)

Gene: SLMAP (sarcolemma associated protein; plus strand). Cytogenetic location: 3p14.3.
Variant type: single nucleotide variant.
Coding change: c.1988A>T on transcript NM_001377540.1 (MANE Select); coding-DNA position 1988, A replaced by T.
Protein change: p.Asp663Val; replaces aspartic acid 663 with valine.
Molecular consequence: missense variant. On other transcripts: non-coding transcript variant (1).
Genome position (GRCh38, 1-based): chr3:57,912,669, A>T. VCF-style: chr3-57912669-A-T. GRCh37 (hg19) VCF-style: chr3-57898396-A-T.
Other names: c.1937A>T, p.Asp646Val (NM_001304420.3, NM_001377541.1, NM_001377542.1); c.1823A>T, p.Asp608Val (NM_001304421.2, NM_001377557.1, NM_001377559.1); c.539A>T, p.Asp180Val (NM_001304422.3, NM_001311178.2); c.341A>T, p.Asp114Val (NM_001304423.3); c.416A>T, p.Asp139Val (NM_001311179.2, NM_001377926.1, NM_001377927.1 and 1 more transcripts); c.2009A>T, p.Asp670Val (NM_001377538.1); c.1988A>T, p.Asp663Val (NM_001377539.1); c.1925A>T, p.Asp642Val (NM_001377545.1); and 9 more; short protein forms D567V, D622V, D625V, D629V, D180V, D663V, D114V, D584V.
Identifiers: ClinVar variation 840844 (VCV000840844.8), dbSNP rs140982905, ClinGen allele CA2467263.
Genomic context (GRCh38, chr3:57,912,669, plus strand): 5'-ATGAGAAAGAAATCACAAGTCTGCAAAACAGTTTTCAGCTTAGATGTCAACAGTGTGAGG[A>T]CCAGCAGAGAGAAGAAGCAACAAGGTTGCAAGGTGAATAAATGTATTTTACATAAAGCTG-3'
Protein context (NP_001364469.1, residues 653-673): SFQLRCQQCE[Asp663Val]QQREEATRLQ

ClinVar aggregate classification (germline): Uncertain significance. Review status: criteria provided, multiple submitters, no conflicts (2 of 4 stars). 3 submissions from 3 submitters: Uncertain significance (3). Last evaluated 2026-07-09.

Conditions:
Brugada syndrome. Also called: Sudden unexplained nocturnal death syndrome; Sudden unexpected nocturnal death syndrome; Sudden Unexplained Death Syndrome; Sudden Unexplained Nocturnal Death Syndrome (SUNDS). Identifiers: Orphanet 130, MedGen C1142166, MONDO:0015263.
SLMAP-related disorder. Also called: SLMAP-related condition.

Allele frequency attached by ClinVar (database versions not stated): gnomAD exomes below 0.00001; TOPMed 0.00002; ExAC 0.00001; ESP Exome Variant Server 0.00008.
gnomAD v4.1: 3 of 1,613,002 alleles (0.00019%); highest among the groups gnomAD compares: African/African-American, 0.0027%; no homozygotes.

Submissions (3):

Ambry Genetics
Classification: Uncertain significance. Last evaluated: 2026-07-09. Review status: criteria provided, single submitter. Criteria: Ambry Variant Classification Scheme 2023. Collection method: clinical testing. Allele origin: germline.
Comment: The p.D629V variant (also known as c.1886A>T), located in coding exon 17 of the SLMAP gene, results from an A to T substitution at nucleotide position 1886. The aspartic acid at codon 629 is replaced by valine, an amino acid with highly dissimilar properties. This amino acid position is conserved. In addition, this alteration is predicted to be tolerated by in silico analysis. Based on the available evidence, the clinical significance of this variant remains unclear.

PreventionGenetics, part of Exact Sciences
Classification: Uncertain significance for SLMAP-related condition. Last evaluated: 2025-02-06. Review status: criteria provided, single submitter. Criteria: ACMG Guidelines, 2015. Collection method: clinical testing. Allele origin: germline.
Comment: The SLMAP c.1886A>T variant is predicted to result in the amino acid substitution p.Asp629Val. To our knowledge, this variant has not been reported in the literature or in a large population database (gnomAD), indicating this variant is rare. At this time, the clinical significance of this variant is uncertain due to the absence of conclusive functional and genetic evidence.

Labcorp Genetics (formerly Invitae), Labcorp
Classification: Uncertain significance for Brugada syndrome. Last evaluated: 2024-11-03. Review status: criteria provided, single submitter. Criteria: Invitae Variant Classification Sherloc (09022015). Collection method: clinical testing. Allele origin: germline.
Comment: This sequence change replaces aspartic acid, which is acidic and polar, with valine, which is neutral and non-polar, at codon 629 of the SLMAP protein (p.Asp629Val). This variant is not present in population databases (gnomAD no frequency). This variant has not been reported in the literature in individuals affected with SLMAP-related conditions. ClinVar contains an entry for this variant (Variation ID: 840844). An algorithm developed to predict the effect of missense changes on protein structure and function (PolyPhen-2) suggests that this variant is likely to be tolerated. In summary, the available evidence is currently insufficient to determine the role of this variant in disease. Therefore, it has been classified as a Variant of Uncertain Significance.